The following is an entry in ClinVar:

NM_004336.5(BUB1):c.860A>G (p.Gln287Arg)

Gene: BUB1 (BUB1 mitotic checkpoint serine/threonine kinase; minus strand). Cytogenetic location: 2q13.
Variant type: single nucleotide variant.
Coding change: c.860A>G on transcript NM_004336.5 (MANE Select); coding-DNA position 860, A replaced by G.
Protein change: p.Gln287Arg; replaces glutamine 287 with arginine.
Molecular consequence: missense variant.
Genome position (GRCh38, 1-based): chr2:110,666,360, T>C on the plus strand (A>G on the coding strand, the complement: BUB1 is on the minus strand). VCF-style: chr2-110666360-T-C. GRCh37 (hg19) VCF-style: chr2-111423937-T-C.
Other names: c.800A>G, p.Gln267Arg (NM_001278616.2); c.860A>G, p.Gln287Arg (NM_001278617.2); short protein forms Q267R, Q287R.
Identifiers: ClinVar variation 1764035 (VCV001764035.2), dbSNP rs2468026022, ClinGen allele CA348216699.
Genomic context (GRCh38, chr2:110,666,360, plus strand): 5'-GATGTCTCCACCACCTGATGCAACTTCTTATGAAGTTCATCCATTTTCTGTTTTAATAGC[T>C]GTTCTTCAAAAGCATTTGCTTCTTTCCTTTTCATATAATGTCTGTCTTCATTTACTTTAG-3'
Protein context (NP_004327.1, residues 277-297): KRKEANAFEE[Gln287Arg]LLKQKMDELH

ClinVar aggregate classification (germline): Uncertain significance (1 of 4 stars; one submission).

Submission:

Ambry Genetics
Classification: Uncertain significance. Last evaluated: 2021-08-03. Review status: criteria provided, single submitter. Criteria: Ambry Variant Classification Scheme 2023. Collection method: clinical testing. Allele origin: germline.
Comment: The p.Q287R variant (also known as c.860A>G), located in coding exon 9 of the BUB1 gene, results from an A to G substitution at nucleotide position 860. The glutamine at codon 287 is replaced by arginine, an amino acid with highly similar properties. This amino acid position is conserved. In addition, this alteration is predicted to be tolerated by in silico analysis. Since supporting evidence is limited at this time, the clinical significance of this alteration remains unclear.